The following is an entry in ClinVar:

NM_001348323.3(TRIP12):c.593G>C (p.Cys198Ser)

Gene: TRIP12 (thyroid hormone receptor interactor 12; minus strand). Cytogenetic location: 2q36.3.
Variant type: single nucleotide variant.
Coding change: c.593G>C on transcript NM_001348323.3 (MANE Select); coding-DNA position 593, G replaced by C.
Protein change: p.Cys198Ser; replaces cysteine 198 with serine.
Molecular consequence: missense variant. On other transcripts: intron variant (1).
Genome position (GRCh38, 1-based): chr2:229,859,206, C>G on the plus strand (G>C on the coding strand, the complement: TRIP12 is on the minus strand). VCF-style: chr2-229859206-C-G. GRCh37 (hg19) VCF-style: chr2-230723922-C-G.
Other names: c.593G>C, p.Cys198Ser (NM_001284214.2, NM_001348315.2, NM_001348319.1 and 15 more transcripts); c.467G>C, p.Cys156Ser (NM_001284215.2, NM_001348316.2, NM_001348317.1 and 3 more transcripts); c.98+20776G>C (NM_001284216.2); short protein forms C156S, C198S.
Identifiers: ClinVar variation 3602357 (VCV003602357.1).

ClinVar aggregate classification (germline): Uncertain significance (1 of 4 stars; one submission).

gnomAD v4.1: 2 of 1,614,190 alleles (0.00012%); highest among the groups gnomAD compares: Non-Finnish European, 0.00017%; no homozygotes.

Submission:

GeneDx
Classification: Uncertain significance. Last evaluated: 2024-07-29. Review status: criteria provided, single submitter. Criteria: GeneDx Variant Classification Process June 2021. Collection method: clinical testing. Allele origin: germline. Affected: yes.
Comment: Not observed at significant frequency in large population cohorts (gnomAD); In silico analysis supports that this missense variant has a deleterious effect on protein structure/function; Has not been previously published as pathogenic or benign to our knowledge